The following is an entry in ClinVar:

ClinVar aggregate classification (germline): Pathogenic/Likely pathogenic. Review status: criteria provided, multiple submitters, no conflicts (2 of 4 stars). 3 submissions from 3 submitters: Pathogenic (1); Likely pathogenic (2). Last evaluated 2023-09-30.

Conditions:
Hereditary cancer-predisposing syndrome. Also called: Tumor predisposition; Hereditary Cancer Syndrome; Hereditary neoplastic syndrome; Neoplastic Syndromes, Hereditary. Identifiers: Orphanet 140162, MedGen C0027672, MeSH D009386, MONDO:0015356.
Haddad syndrome (OHD). Also called: Ondine-Hirschsprung disease. Identifiers: Orphanet 99803, MedGen C1859049, MONDO:0020493.

Submissions (3):

Labcorp Genetics (formerly Invitae), Labcorp
Classification: Pathogenic for Haddad syndrome. Last evaluated: 2023-09-30. Review status: criteria provided, single submitter. Criteria: Invitae Variant Classification Sherloc (09022015). Collection method: clinical testing. Allele origin: germline.
Comment: For these reasons, this variant has been classified as Pathogenic. This premature translational stop signal has been observed in individual(s) with congenital central hypoventilation syndrome (PMID: 33958749). This variant is not present in population databases (gnomAD no frequency). This sequence change creates a premature translational stop signal (p.Tyr14*) in the PHOX2B gene. It is expected to result in an absent or disrupted protein product. Loss-of-function variants in PHOX2B are known to be pathogenic (PMID: 25156769).

Ambry Genetics
Classification: Likely pathogenic for Hereditary cancer-predisposing syndrome. Last evaluated: 2023-08-03. Review status: criteria provided, single submitter. Criteria: Ambry Variant Classification Scheme 2023. Collection method: clinical testing. Allele origin: germline.
Comment: The p.Y14* variant (also known as c.42C>A), located in coding exon 1 of the PHOX2B gene, results from a C to A substitution at nucleotide position 42. This changes the amino acid from a tyrosine to a stop codon within coding exon 1. The predicted stop codon occurs in the 5&rsquo; end of the PHOX2B gene. Premature termination codons in the 5&rsquo; end of a gene have been reported to escape nonsense-mediated mRNAdecay and/or lead to re-initiation (Rivas et al. Science. 2015 May 8;348(6235):666-9; Lindeboom et al. Nat Genet. 2016 Oct;48(10):1112-8; Rhee et al. Sci Rep. 2017 May 10;7(1):1653). Direct evidence for this alteration is unavailable, however premature termination codons are typically deleterious in nature. This variant has been reported in one individual with late-onset central hypoventilation syndrome (Trochet D et al. Hum Mutat, 2009 Feb;30:E421-31). This variant is considered to be rare based on population cohorts in the Genome Aggregation Database (gnomAD). Based on the majority of available evidence to date, this variant is likely to be pathogenic.

GeneDx
Classification: Likely pathogenic. Last evaluated: 2023-07-21. Review status: criteria provided, single submitter. Criteria: GeneDx Variant Classification Process June 2021. Collection method: clinical testing. Allele origin: germline. Affected: yes.
Comment: Rather than producing a COOH-terminal truncated gene product, functional studies indicate that p.(Y14*) produces an NH2-terminal truncated protein; this has been hypothesized to be due to reinitiation of translation at alternate start codons M18 and M21, which would result in the protein product missing the first 17 or 20 amino acids (Trochet et al., 2009; Chang et al., 2021); Functional studies are inconclusive: p.(Y14*) produces a somewhat shorter protein with reduced expression compared to wild-type; however, there was no obvious impact on subcellular nucleus localization, oligomerization, or transcriptional activities (Trochet at al., 2009; Chang et al., 2021); Not observed at significant frequency in large population cohorts (gnomAD); This variant is associated with the following publications: (PMID: 29397575, 19712905, 33881351, 19058226, 33958749, 28371199)

Literature cited by the submitters: PubMed 33958749 (cited by Labcorp Genetics (formerly Invitae), Labcorp); PubMed 25156769 (cited by Labcorp Genetics (formerly Invitae), Labcorp); PubMed 19058226 (cited by Ambry Genetics).

NM_003924.4(PHOX2B):c.42C>A (p.Tyr14Ter)

Genes: PHOX2B-AS1 (PHOX2B antisense RNA 1; plus strand), PHOX2B (paired like homeobox 2B; minus strand). Cytogenetic location: 4p13.
Variant type: single nucleotide variant.
Coding change: c.42C>A on transcript NM_003924.4 (MANE Select); coding-DNA position 42, C replaced by A.
Protein change: p.Tyr14Ter; replaces tyrosine 14 with a stop codon.
Molecular consequence: nonsense. On other transcripts: non-coding transcript variant (1).
Genome position (GRCh38, 1-based): chr4:41,748,569, G>T on the plus strand (C>A on the coding strand, the complement: PHOX2B is on the minus strand). VCF-style: chr4-41748569-G-T. GRCh37 (hg19) VCF-style: chr4-41750586-G-T.
Other names: short protein forms Y14*.
Identifiers: ClinVar variation 2625346 (VCV002625346.6), dbSNP rs775101470, ClinGen allele CA356741292.